The following is an entry in ClinVar:

ClinVar aggregate classification (germline): Likely pathogenic (1 of 4 stars; one submission).

Conditions:
Cardiovascular phenotype. Identifiers: MedGen CN230736.

Submission:

Ambry Genetics
Classification: Likely pathogenic for Cardiovascular phenotype. Last evaluated: 2019-11-01. Review status: criteria provided, single submitter. Criteria: Ambry Variant Classification Scheme 2023. Collection method: clinical testing. Allele origin: germline.
Comment: The c.23664delC variant, located in coding exon 97 of the TTN gene, results from a deletion of one nucleotide at nucleotide position 23664, causing a translational frameshift with a predicted alternate stop codon (p.C7888*). This exon is located in the A-band region of the N2-B isoform of the titin protein and is constitutively expressed in TTN transcripts (percent spliced in or PSI 100%). This alteration is expected to result in loss of function by premature protein truncation or nonsense-mediated mRNA decay. While truncating variants in TTN are present in 1-3% of the general population, truncating variants in the A-band are the most common cause of dilated cardiomyopathy (DCM) (Herman DS et al. N. Engl. J. Med., 2012 Feb;366:619-28; Roberts AM et al. Sci Transl Med, 2015 Jan;7:270ra6). TTN truncating variants encoded in constitutive exons (PSI >90%) have been found to be significantly associated with DCM regardless of their position in titin (Schafer S et al. Nat. Genet., 2017 01;49:46-53). As such, this alteration is classified as likely pathogenic.

NM_001267550.2(TTN):c.50859del (p.Asp16952_Cys16953insTer)

Genes: TTN (titin; minus strand), TTN-AS1 (TTN antisense RNA 1; plus strand). Cytogenetic location: 2q31.2.
Variant type: Deletion.
Coding change: c.50859del on transcript NM_001267550.2 (MANE Select); coding-DNA position 50859, one base deleted (C; older notation c.50859delC).
Protein change: p.Asp16952_Cys16953insTer.
Molecular consequence: nonsense.
Genome position (GRCh38, 1-based): chr2:178,611,270, G deleted on the plus strand (C on the coding strand, the reverse complement: TTN is on the minus strand). VCF-style (leftmost placement, unchanged base first): chr2-178611269-TG-T. GRCh37 (hg19) VCF-style: chr2-179475996-TG-T.
Other names: c.45936del, p.Asp15311_Cys15312insTer (NM_001256850.1); c.23664del, p.Asp7887_Cys7888insTer (NM_003319.4); c.43155del, p.Asp14384_Cys14385insTer (NM_133378.4); c.24039del, p.Asp8012_Cys8013insTer (NM_133432.3); c.24240del, p.Asp8079_Cys8080insTer (NM_133437.4); c.23664delC (NM_003319.4).
Identifiers: ClinVar variation 1790212 (VCV001790212.2), dbSNP rs2470483012, ClinGen allele CA2580065021.
Genomic context (GRCh38, chr2:178,611,269, plus strand): 5'-TGCTTAACTTTTCACCTTCAATAACAATAATGTCATGAGTCTCCAGGTCAATTGTTGGCT[TG>T]CCTGTAAGATATCATTCAAAAGAGCAAAAAACAGAGTATGTCAAAATGCAATGCATGAAT-3'